The following is an entry in ClinVar:

ClinVar aggregate classification (germline): Uncertain significance (1 of 4 stars; one submission).

Conditions:
Xanthinuria type II. Also called: Xanthine dehydrogenase and aldehyde oxidase combined deficiency of; XDH and AOX dual deficiency. Identifiers: Orphanet 3467, Orphanet 93602, MedGen C1863688, MONDO:0011346, OMIM 603592.

Submission:

Labcorp Genetics (formerly Invitae), Labcorp
Classification: Uncertain significance for Xanthinuria type II. Last evaluated: 2022-11-16. Review status: criteria provided, single submitter. Criteria: Invitae Variant Classification Sherloc (09022015). Collection method: clinical testing. Allele origin: germline.
Comment: This sequence change replaces serine, which is neutral and polar, with leucine, which is neutral and non-polar, at codon 849 of the MOCOS protein (p.Ser849Leu). This variant is not present in population databases (gnomAD no frequency). Advanced modeling of protein sequence and biophysical properties (such as structural, functional, and spatial information, amino acid conservation, physicochemical variation, residue mobility, and thermodynamic stability) performed at Invitae indicates that this missense variant is not expected to disrupt MOCOS protein function. This variant has not been reported in the literature in individuals affected with MOCOS-related conditions. In summary, the available evidence is currently insufficient to determine the role of this variant in disease. Therefore, it has been classified as a Variant of Uncertain Significance.

NM_017947.4(MOCOS):c.2546C>T (p.Ser849Leu)

Gene: MOCOS (molybdenum cofactor sulfurase; plus strand). Cytogenetic location: 18q12.2.
Variant type: single nucleotide variant.
Coding change: c.2546C>T on transcript NM_017947.4 (MANE Select); coding-DNA position 2546, C replaced by T.
Protein change: p.Ser849Leu; replaces serine 849 with leucine.
Molecular consequence: missense variant.
Genome position (GRCh38, 1-based): chr18:36,268,564, C>T. VCF-style: chr18-36268564-C-T. GRCh37 (hg19) VCF-style: chr18-33848527-C-T.
Other names: short protein forms S849L.
Identifiers: ClinVar variation 1993151 (VCV001993151.4), dbSNP rs2510988800, ClinGen allele CA402291538.
Genomic context (GRCh38, chr18:36,268,564, plus strand): 5'-TTTTGTTGTTGTTGCTGTTTTGTTCACAGGTGAACTTTGGCATGTACCTGATGCATGCAT[C>T]ATTGGATTTATCCTCCCCATGTTTCCTGTCTGTAGGATCTCAGGTGCTCCCTGTGTTGAA-3'
Protein context (NP_060417.4, residues 839-859): VNFGMYLMHA[Ser849Leu]LDLSSPCFLS